The following is an entry in ClinVar:

NM_181303.2(NLGN3):c.616A>G (p.Ile206Val)

Gene: NLGN3 (neuroligin 3; plus strand). Cytogenetic location: Xq13.1.
Variant type: single nucleotide variant.
Coding change: c.616A>G on transcript NM_181303.2 (MANE Select); coding-DNA position 616, A replaced by G.
Protein change: p.Ile206Val; replaces isoleucine 206 with valine.
Molecular consequence: missense variant.
Genome position (GRCh38, 1-based): chrX:71,155,252, A>G. VCF-style: chrX-71155252-A-G. GRCh37 (hg19) VCF-style: chrX-70375102-A-G.
Other names: c.496A>G, p.Ile166Val (NM_001166660.2); c.205A>G, p.Ile69Val (NM_001321276.2); c.556A>G, p.Ile186Val (NM_018977.4); short protein forms I166V, I186V, I206V, I69V.
Identifiers: ClinVar variation 2505721 (VCV002505721.1), dbSNP rs2519748949, ClinGen allele CA413552333.

ClinVar aggregate classification (germline): Uncertain significance (1 of 4 stars; one submission).

Submission:

GeneDx
Classification: Uncertain significance. Last evaluated: 2022-12-15. Review status: criteria provided, single submitter. Criteria: GeneDx Variant Classification Process June 2021. Collection method: clinical testing. Allele origin: germline. Affected: yes.
Comment: Not observed at significant frequency in large population cohorts (gnomAD); In silico analysis supports that this missense variant does not alter protein structure/function; Has not been previously published as pathogenic or benign to our knowledge